The following is an entry in ClinVar:

ClinVar aggregate classification (germline): Conflicting classifications of pathogenicity. Review status: criteria provided, conflicting classifications (1 of 4 stars). 9 submissions from 9 submitters: Pathogenic (4); Likely pathogenic (3); Uncertain significance (2). Last evaluated 2026-05-04.

Conditions:
Cardiovascular phenotype. Identifiers: MedGen CN230736.
Arrhythmogenic right ventricular dysplasia 10. Also called: Arrhythmogenic Right Ventricular Dysplasia/Cardiomyopathy10; ARRHYTHMOGENIC RIGHT VENTRICULAR DYSPLASIA, FAMILIAL, 10; Arrhythmogenic right ventricular dysplasia/cardiomyopathy, type 10. Identifiers: MedGen C1857777, MONDO:0012434, OMIM 610193.
Dilated cardiomyopathy 1BB (CMD1BB). Also called: CARDIOMYOPATHY, DILATED, 1BB, SUSCEPTIBILITY TO. Identifiers: Orphanet 154, MedGen C2752072, MONDO:0013030, OMIM 612877.
Arrhythmogenic right ventricular cardiomyopathy (ARVD). Also called: Cardiomyopathy, ARVC; Arrhythmogenic right ventricular dysplasia; Arrhythmogenic cardiomyopathy; Arrhythmogenic Right Ventricular Cardiomyopathy (ARVC). Identifiers: Orphanet 247, MedGen C0349788, MeSH D019571, MONDO:0016587. Disease mechanism: loss of function. Inheritance: Various modes of inheritance.
Cardiomyopathy (CMYO). Also called: Cardiomyopathies. Identifiers: Orphanet 167848, MedGen C0878544, MONDO:0004994, HP:0001638. Inheritance: Various modes of inheritance.

Allele frequency attached by ClinVar (database versions not stated): gnomAD exomes below 0.00001 and 0.00001; TOPMed below 0.00001.
gnomAD v4.1: 2 of 1,603,632 alleles (0.00012%); highest among the groups gnomAD compares: Non-Finnish European, 0.00017%; no homozygotes.

Submissions (9):

Ambry Genetics
Classification: Pathogenic for Cardiovascular phenotype. Last evaluated: 2026-05-04. Review status: criteria provided, single submitter. Criteria: Ambry Variant Classification Scheme 2023. Collection method: clinical testing. Allele origin: germline.
Comment: The c.523+2T>C intronic alteration consists of a T to C substitution two nucleotides after exon 5 (coding exon 5) of the DSG2 gene. Variants that disrupt the canonical splice site are expected to cause aberrant splicing, resulting in an abnormal protein or a transcript that is subject to nonsense-mediated mRNA decay. Based on data from gnomAD, the C allele has an overall frequency of 0.001% (2/236788) total alleles studied. The highest observed frequency was 0.002% (2/107500) of European (non-Finnish) alleles. This variant was reported in multiple individuals with features consistent with arrhythmogenic right ventricular cardiomyopathy (ARVC) (Fressart, 2010; Tan, 2010; Bhonsale, 2013; te Riele, 2013; Groeneweg, 2015; Xiong, 2015; Tester, 2018). This nucleotide position is highly conserved in available vertebrate species. In silico splice site analysis predicts that this alteration will weaken the native splice donor site and may result in the creation or strengthening of a novel splice donor site. Based on the available evidence, this alteration is classified as pathogenic.

GeneDx
Classification: Pathogenic. Last evaluated: 2025-11-12. Review status: criteria provided, single submitter. Criteria: GeneDx Variant Classification Process June 2021. Collection method: clinical testing. Allele origin: germline. Affected: yes.
Comment: Canonical splice site variant predicted to result in a null allele in a gene for which loss of function is a known mechanism of disease; Not observed at significant frequency in large population cohorts (gnomAD); This variant is associated with the following publications: (PMID: 20400443, 26314686, 25525159, 20857253, 23671136, 23889974, 23810894, 28588093, 28471438, 25820315, 31589614, 31386562, 29544605, 33238575, 30790397, 31402444, 33232181, 30122538)

Labcorp Genetics (formerly Invitae), Labcorp
Classification: Pathogenic for Arrhythmogenic right ventricular dysplasia 10. Last evaluated: 2025-10-13. Review status: criteria provided, single submitter. Criteria: Invitae Variant Classification Sherloc (09022015). Collection method: clinical testing. Allele origin: germline.
Comment: This sequence change affects a donor splice site in intron 5 of the DSG2 gene. It is expected to disrupt RNA splicing. Variants that disrupt the donor or acceptor splice site typically lead to a loss of protein function (PMID: 16199547), and loss-of-function variants in DSG2 are known to be pathogenic (PMID: 17105751, 31386562). This variant is present in population databases (rs397516709, gnomAD 0.002%). Disruption of this splice site has been observed in individuals with arrhythmogenic right ventricular cardiomyopathy (PMID: 2040044, 20857253). ClinVar contains an entry for this variant (Variation ID: 44321). Algorithms developed to predict the effect of sequence changes on RNA splicing suggest that this variant may disrupt the consensus splice site. For these reasons, this variant has been classified as Pathogenic.

Color Diagnostics, LLC DBA Color Health
Classification: Uncertain significance for Cardiomyopathy. Last evaluated: 2025-06-10. Review status: criteria provided, single submitter. Criteria: ACMG Guidelines, 2015. Collection method: clinical testing. Allele origin: germline.
Comment: This variant causes a T>C nucleotide substitution at the +2 position of intron 5 of the DSG2 gene. Splice prediction tools suggest that this variant may have a significant impact on splicing. To our knowledge, RNA studies have not been reported for this variant. This variant has been reported in at least ten individuals affected with arrhythmogenic right ventricular cardiomyopathy including one homozygous individual (PMID: 2040044, 28588093, 30790397, 33238575, 37418234, ClinVar SCV000060966.5, SCV000233484.13) and in an infant affected with sudden death syndrome (PMID: 29544605). This variant has also been observed in 7 unaffected adults, 2 children without known cardiac disease, and in 3 additional individuals with unknown health history (PMID: 33684294ClinVar SCV000060966.5, SCV000233484.13, SCV000320191.6). This variant has been identified in 2/236788 chromosomes in the general population by the Genome Aggregation Database (gnomAD). Although there is a suspicion for a pathogenic role, clinical significance of loss-of-function DSG2 variants in autosomal dominant arrhythmogenic right ventricular cardiomyopathy is not yet clearly established. The available evidence is insufficient to determine the role of this variant in disease conclusively. Therefore, this variant is classified as a Variant of Uncertain Significance.

All of Us Research Program, National Institutes of Health
Classification: Uncertain significance for Arrhythmogenic right ventricular cardiomyopathy. Last evaluated: 2024-08-06. Review status: criteria provided, single submitter. Criteria: ACMG Guidelines, 2015. Collection method: clinical testing. Allele origin: germline. Inheritance: Autosomal dominant inheritance. Observed: 5 variant alleles, 5 heterozygotes.
Comment: This variant causes a T>C nucleotide substitution at the +2 position of intron 5 of the DSG2 gene. Splice prediction tools suggest that this variant may have a significant impact on splicing. To our knowledge, RNA studies have not been reported for this variant. This variant has been reported in at least ten individuals affected with arrhythmogenic right ventricular cardiomyopathy including one homozygous individual (PMID: 2040044, 28588093, 30790397, 33238575, 37418234, ClinVar SCV000060966.5, SCV000233484.13) and in an infant affected with sudden death syndrome (PMID: 29544605). This variant has also been observed in 7 unaffected adults, 2 children without known cardiac disease, and in 3 additional individuals with unknown health history (PMID: 33684294; ClinVar SCV000060966.5, SCV000233484.13, SCV000320191.6). This variant has been identified in 2/236788 chromosomes in the general population by the Genome Aggregation Database (gnomAD). Although there is a suspicion for a pathogenic role, clinical significance of loss-of-function DSG2 variants in autosomal dominant arrhythmogenic right ventricular cardiomyopathy is not yet clearly established. The available evidence is insufficient to determine the role of this variant in disease conclusively. Therefore, this variant is classified as a Variant of Uncertain Significance.

This study involves interpretation of variants in research participants for the purpose of population health screening. Participant phenotype was not available at the time of variant classification. Additional details can be found in publication PMID: 35346344, PMCID: PMC8962531

Equipe Genetique des Anomalies du Developpement, Université de Bourgogne
Classification: Likely pathogenic for Arrhythmogenic right ventricular dysplasia 10. Last evaluated: 2024-05-29. Review status: criteria provided, single submitter. Criteria: ACMG Guidelines, 2015. Collection method: clinical testing. Allele origin: paternal. Affected: yes.
Comment: This intronic variant two nucleotides after the exon 5 disrupts the splice site with a T to C substitution predicted to ensue the creation of a new donor site upstream and to result in a premature stop codon (spliceAI score v1.3 DL = 0.99, DG = 0.26). This variant is rare in the general population, with two alleles reported in the gnomad v4.1.0 database. This variant has been previously reported in ClinVar with conflicting pathogenicity reports. Pathogenic loss of function variants in the DSG2 gene are responsible for an arrhythmogenic right ventricular dysplasia (OMIM # 610193), autosomal dominant. According to ACMG criteria, the c.523+2T>C variant is considered to be likely pathogenic.

Fulgent Genetics
Classification: Likely pathogenic for Arrhythmogenic right ventricular dysplasia 10; Dilated cardiomyopathy 1BB. Last evaluated: 2021-09-18. Review status: criteria provided, single submitter. Criteria: ACMG Guidelines, 2015. Collection method: clinical testing. Allele origin: unknown.

AiLife Diagnostics
Classification: Pathogenic. Last evaluated: 2021-07-12. Review status: criteria provided, single submitter. Criteria: ACMG Guidelines, 2015. Collection method: clinical testing. Allele origin: germline. Affected: yes. Observed: 1 variant allele.

Laboratory for Molecular Medicine, Mass General Brigham Personalized Medicine
Classification: Likely pathogenic for Arrhythmogenic right ventricular cardiomyopathy. Last evaluated: 2018-02-21. Review status: criteria provided, single submitter. Criteria: LMM Criteria. Collection method: clinical testing. Allele origin: germline. Inheritance: Autosomal dominant inheritance. Observed: 5 variant alleles.
Comment: The c.523+2T>C variant in DSG2 has been reported in 6 individuals with clinical features of arrhythmogenic right ventricular cardiomyopathy (ARVC; Fressart 2010 , Tan 2010, LMM unpublished data). This variant has been identified in 2/105830 European chromosomes by the Genome Aggregation Database (gnomAD; dbSNP rs397516709) and reported in ClinVar (Variation ID 4432 1). c.523+2T>C variant occurs in the invariant region (+/- 1,2) of the splice co nsensus sequence and is predicted to cause altered splicing leading to an abnorm al or absent protein. Heterozygous loss of function of the DSG2 gene has been im plicated in ARVC. In summary, although additional studies are required to fully establish its clinical significance, the c.523+2T>C variant is likely pathogenic . ACMG/AMP Criteria applied: PM2; PVS1_Moderate; PS4_Moderate.

Literature cited by the submitters: PubMed 20400443 (cited by 3 submitters); PubMed 20857253 (cited by 4 submitters); PubMed 23671136 (cited by Ambry Genetics); PubMed 23810894 (cited by Ambry Genetics and Laboratory for Molecular Medicine, Mass General Brigham Personalized Medicine); PubMed 25525159 (cited by Ambry Genetics and Laboratory for Molecular Medicine, Mass General Brigham Personalized Medicine); PubMed 25820315 (cited by Ambry Genetics and Laboratory for Molecular Medicine, Mass General Brigham Personalized Medicine); PubMed 29544605 (cited by 3 submitters); PubMed 16199547 (cited by Labcorp Genetics (formerly Invitae), Labcorp); PubMed 17105751 (cited by Labcorp Genetics (formerly Invitae), Labcorp); PubMed 31386562 (cited by Labcorp Genetics (formerly Invitae), Labcorp); PubMed 2040044 (cited by 3 submitters); PubMed 28588093 (cited by Color Diagnostics, LLC DBA Color Health and All of Us Research Program, National Institutes of Health); PubMed 30790397 (cited by Color Diagnostics, LLC DBA Color Health and All of Us Research Program, National Institutes of Health); PubMed 33238575 (cited by Color Diagnostics, LLC DBA Color Health and All of Us Research Program, National Institutes of Health); PubMed 33684294 (cited by Color Diagnostics, LLC DBA Color Health and All of Us Research Program, National Institutes of Health); PubMed 37418234 (cited by Color Diagnostics, LLC DBA Color Health and All of Us Research Program, National Institutes of Health).

NM_001943.5(DSG2):c.523+2T>C

Gene: DSG2 (desmoglein 2; plus strand). Cytogenetic location: 18q12.1.
Variant type: single nucleotide variant.
Coding change: c.523+2T>C on transcript NM_001943.5 (MANE Select); the canonical splice donor site of the intron after coding-DNA position 523, T replaced by C.
Molecular consequence: splice donor variant.
Genome position (GRCh38, 1-based): chr18:31,521,245, T>C. VCF-style: chr18-31521245-T-C. GRCh37 (hg19) VCF-style: chr18-29101208-T-C.
Identifiers: ClinVar variation 44321 (VCV000044321.30), dbSNP rs397516709, ClinGen allele CA022165.